The following is an entry in ClinVar:

ClinVar aggregate classification (germline): Uncertain significance (1 of 4 stars; one submission).

Submission:

GeneDx
Classification: Uncertain significance. Last evaluated: 2023-12-17. Review status: criteria provided, single submitter. Criteria: GeneDx Variant Classification Process June 2021. Collection method: clinical testing. Allele origin: germline. Affected: yes.
Comment: Not observed at significant frequency in large population cohorts (gnomAD); In silico analysis supports that this missense variant has a deleterious effect on protein structure/function; Has not been previously published as pathogenic or benign to our knowledge

NM_001110556.2(FLNA):c.446C>A (p.Ser149Tyr)

Gene: FLNA (filamin A; minus strand). Cytogenetic location: Xq28.
Variant type: single nucleotide variant.
Coding change: c.446C>A on transcript NM_001110556.2 (MANE Select); coding-DNA position 446, C replaced by A.
Protein change: p.Ser149Tyr; replaces serine 149 with tyrosine.
Molecular consequence: missense variant.
Genome position (GRCh38, 1-based): chrX:154,368,018, G>T on the plus strand (C>A on the coding strand, the complement: FLNA is on the minus strand). VCF-style: chrX-154368018-G-T. GRCh37 (hg19) VCF-style: chrX-153596386-G-T.
Other names: c.446C>A, p.Ser149Tyr (NM_001456.4); short protein forms S149Y.
Identifiers: ClinVar variation 3369966 (VCV003369966.1).
Genomic context (GRCh38, chrX:154,368,018, plus strand): 5'-TTGGGGGTCTGCTTCTTGGCCTCCTCATCCTCCTCCTCGTCCCACATGGGCATGGAGATG[G>T]AGTAGTGCAGGATCAGGGTCCAGATGAGGCCCAGGATCAGCTTCAGGTTCCCGTCCACGA-3'
Protein context (NP_001104026.1, residues 139-159): GLIWTLILHY[Ser149Tyr]ISMPMWDEEE